The following is an entry in ClinVar:

NM_032802.4(SPPL2A):c.805C>A (p.His269Asn)

Gene: SPPL2A (signal peptide peptidase like 2A; minus strand). Cytogenetic location: 15q21.2.
Variant type: single nucleotide variant.
Coding change: c.805C>A on transcript NM_032802.4 (MANE Select); coding-DNA position 805, C replaced by A.
Protein change: p.His269Asn; replaces histidine 269 with asparagine.
Molecular consequence: missense variant.
Genome position (GRCh38, 1-based): chr15:50,736,669, G>T on the plus strand (C>A on the coding strand, the complement: SPPL2A is on the minus strand). VCF-style: chr15-50736669-G-T. GRCh37 (hg19) VCF-style: chr15-51028866-G-T.
Other names: short protein forms H269N.
Identifiers: ClinVar variation 3689901 (VCV003689901.2).

ClinVar aggregate classification (germline): Uncertain significance (1 of 4 stars; one submission).

gnomAD v4.1: 3 of 1,599,276 alleles (0.00019%); highest among the groups gnomAD compares: Non-Finnish European, 0.00026%; no homozygotes.

Submission:

Labcorp Genetics (formerly Invitae), Labcorp
Classification: Uncertain significance. Last evaluated: 2025-02-03. Review status: criteria provided, single submitter. Criteria: Invitae Variant Classification Sherloc (09022015). Collection method: clinical testing. Allele origin: germline.
Comment: This sequence change replaces histidine, which is basic and polar, with asparagine, which is neutral and polar, at codon 269 of the SPPL2A protein (p.His269Asn). This variant is not present in population databases (gnomAD no frequency). This variant has not been reported in the literature in individuals affected with SPPL2A-related conditions. An algorithm developed to predict the effect of missense changes on protein structure and function (PolyPhen-2) suggests that this variant is likely to be tolerated. In summary, the available evidence is currently insufficient to determine the role of this variant in disease. Therefore, it has been classified as a Variant of Uncertain Significance.